The following is an entry in ClinVar:

ClinVar aggregate classification (germline): Uncertain significance (1 of 4 stars; one submission).

Allele frequency attached by ClinVar (database versions not stated): gnomAD 0.00003; TOPMed 0.00004; ExAC 0.00006; ESP Exome Variant Server 0.00008.
gnomAD v4.1: 39 of 1,612,342 alleles (0.0024%); highest among the groups gnomAD compares: South Asian, 0.0088%; 1 homozygote.

Submission:

Labcorp Genetics (formerly Invitae), Labcorp
Classification: Uncertain significance. Last evaluated: 2024-08-12. Review status: criteria provided, single submitter. Criteria: Invitae Variant Classification Sherloc (09022015). Collection method: clinical testing. Allele origin: germline.
Comment: This sequence change replaces proline, which is neutral and non-polar, with leucine, which is neutral and non-polar, at codon 1216 of the LAMA1 protein (p.Pro1216Leu). This variant is present in population databases (rs146931651, gnomAD 0.02%), including at least one homozygous and/or hemizygous individual. This variant has not been reported in the literature in individuals affected with LAMA1-related conditions. ClinVar contains an entry for this variant (Variation ID: 1981000). Advanced modeling of protein sequence and biophysical properties (such as structural, functional, and spatial information, amino acid conservation, physicochemical variation, residue mobility, and thermodynamic stability) has been performed at Invitae for this missense variant, however the output from this modeling did not meet the statistical confidence thresholds required to predict the impact of this variant on LAMA1 protein function. In summary, the available evidence is currently insufficient to determine the role of this variant in disease. Therefore, it has been classified as a Variant of Uncertain Significance.

NM_005559.4(LAMA1):c.3647C>T (p.Pro1216Leu)

Gene: LAMA1 (laminin subunit alpha 1; minus strand). Cytogenetic location: 18p11.31.
Variant type: single nucleotide variant.
Coding change: c.3647C>T on transcript NM_005559.4 (MANE Select); coding-DNA position 3647, C replaced by T.
Protein change: p.Pro1216Leu; replaces proline 1216 with leucine.
Molecular consequence: missense variant.
Genome position (GRCh38, 1-based): chr18:7,011,340, G>A on the plus strand (C>T on the coding strand, the complement: LAMA1 is on the minus strand). VCF-style: chr18-7011340-G-A. GRCh37 (hg19) VCF-style: chr18-7011339-G-A.
Other names: short protein forms P1216L.
Identifiers: ClinVar variation 1981000 (VCV001981000.4), dbSNP rs146931651, ClinGen allele CA8882207.